The following is an entry in ClinVar:

NM_002439.5(MSH3):c.2161G>A (p.Gly721Ser)

Gene: MSH3 (mutS homolog 3; plus strand). Cytogenetic location: 5q14.1.
Variant type: single nucleotide variant.
Coding change: c.2161G>A on transcript NM_002439.5 (MANE Select); coding-DNA position 2161, G replaced by A.
Protein change: p.Gly721Ser; replaces glycine 721 with serine.
Molecular consequence: missense variant.
Genome position (GRCh38, 1-based): chr5:80,768,911, G>A. VCF-style: chr5-80768911-G-A. GRCh37 (hg19) VCF-style: chr5-80064730-G-A.
Other names: short protein forms G721S.
Identifiers: ClinVar variation 663962 (VCV000663962.14), dbSNP rs1434492542, ClinGen allele CA360279456.

ClinVar aggregate classification (germline): Uncertain significance. Review status: criteria provided, multiple submitters, no conflicts (2 of 4 stars). 4 submissions from 4 submitters: Uncertain significance (4). Last evaluated 2025-11-04.

Conditions:
Hereditary cancer-predisposing syndrome. Also called: Neoplastic Syndromes, Hereditary; Tumor predisposition; Hereditary neoplastic syndrome; Hereditary Cancer Syndrome. Identifiers: Orphanet 140162, MedGen C0027672, MeSH D009386, MONDO:0015356.
Endometrial carcinoma. Also called: Endometrial carcinoma, somatic. Identifiers: MedGen C0476089, MONDO:0002447, OMIM 608089, HP:0012114.

gnomAD v4.1: 3 of 1,612,258 alleles (0.00019%); highest among the groups gnomAD compares: Admixed American, 0.0033%; no homozygotes.

Submissions (4):

Ambry Genetics
Classification: Uncertain significance for Hereditary cancer-predisposing syndrome. Last evaluated: 2025-11-04. Review status: criteria provided, single submitter. Criteria: Ambry Variant Classification Scheme 2023. Collection method: clinical testing. Allele origin: germline.
Comment: The p.G721S variant (also known as c.2161G>A), located in coding exon 15 of the MSH3 gene, results from a G to A substitution at nucleotide position 2161. The glycine at codon 721 is replaced by serine, an amino acid with similar properties. This amino acid position is poorly conserved in available vertebrate species. In addition, this alteration is predicted to be tolerated by in silico analysis. Since supporting evidence is limited at this time, the clinical significance of this alteration remains unclear.

Labcorp Genetics (formerly Invitae), Labcorp
Classification: Uncertain significance. Last evaluated: 2025-06-27. Review status: criteria provided, single submitter. Criteria: Invitae Variant Classification Sherloc (09022015). Collection method: clinical testing. Allele origin: germline.
Comment: This sequence change replaces glycine, which is neutral and non-polar, with serine, which is neutral and polar, at codon 721 of the MSH3 protein (p.Gly721Ser). This variant is not present in population databases (gnomAD no frequency). This variant has not been reported in the literature in individuals affected with MSH3-related conditions. ClinVar contains an entry for this variant (Variation ID: 663962). An algorithm developed to predict the effect of missense changes on protein structure and function (PolyPhen-2) suggests that this variant is likely to be tolerated. In summary, the available evidence is currently insufficient to determine the role of this variant in disease. Therefore, it has been classified as a Variant of Uncertain Significance.

GeneDx
Classification: Uncertain significance. Last evaluated: 2025-03-17. Review status: criteria provided, single submitter. Criteria: GeneDx Variant Classification Process June 2021. Collection method: clinical testing. Allele origin: germline. Affected: yes.
Comment: Not observed at significant frequency in large population cohorts (gnomAD); In silico analysis indicates that this missense variant does not alter protein structure/function; Has not been previously published as pathogenic or benign to our knowledge

Baylor Genetics
Classification: Uncertain significance for Endometrial carcinoma. Last evaluated: 2024-03-03. Review status: criteria provided, single submitter. Criteria: ACMG Guidelines, 2015. Collection method: clinical testing. Allele origin: unknown.